The following is an entry in ClinVar:

NM_000512.5(GALNS):c.554A>G (p.Glu185Gly)

Gene: GALNS (galactosamine (N-acetyl)-6-sulfatase; minus strand). Cytogenetic location: 16q24.3.
Variant type: single nucleotide variant.
Coding change: c.554A>G on transcript NM_000512.5 (MANE Select); coding-DNA position 554, A replaced by G.
Protein change: p.Glu185Gly; replaces glutamic acid 185 with glycine.
Molecular consequence: missense variant. On other transcripts: 5 prime UTR variant (1).
Genome position (GRCh38, 1-based): chr16:88,837,634, T>C on the plus strand (A>G on the coding strand, the complement: GALNS is on the minus strand). VCF-style: chr16-88837634-T-C. GRCh37 (hg19) VCF-style: chr16-88904042-T-C.
Other names: c.-2A>G (NM_001323543.2); c.572A>G, p.Glu191Gly (NM_001323544.2); short protein forms E185G, E191G.
Identifiers: ClinVar variation 1048292 (VCV001048292.3), dbSNP rs2143002324, ClinGen allele CA397082698.

ClinVar aggregate classification (germline): Uncertain significance (1 of 4 stars; one submission).

Conditions:
Mucopolysaccharidosis, MPS-IV-A (MPS4A). Also called: Mucopolysaccharidosis type IV A; Mucopolysaccharidosis Type IVA; Morquio syndrome A, mild; MORQUIO SYNDROME A; MPS IVA; mucopolysaccharidosis type 4A. Identifiers: Orphanet 309297, Orphanet 582, MedGen C0086651, MONDO:0009659, OMIM 253000.

Submission:

Laboratory of Diagnosis and Therapy of Lysosomal Disorders, University of Padova
Classification: Uncertain significance for Mucopolysaccharidosis, MPS-IV-A. Last evaluated: 2021-02-01. Review status: criteria provided, single submitter. Criteria: ACMG Guidelines, 2015. Collection method: curation. Allele origin: germline. Affected: yes.
Comment: In vitro functional studies supportive of a damaging effect on the gene product (low in vitro enzymatic activity; PS3_supporting); absent from gnomAD v2.1.1 (PM2_moderate); multiple lines of computational evidence support a deleterious effect on the gene (PP3_supporting)

Literature cited by the submitters: PubMed 16287098; PubMed 34387910.